The following is an entry in ClinVar:

ClinVar aggregate classification (germline): Uncertain significance (1 of 4 stars; one submission).

gnomAD v4.1: 1 of 1,610,070 alleles (0.000062%); highest among the groups gnomAD compares: Non-Finnish European, 0.000085%; no homozygotes.

Submission:

Labcorp Genetics (formerly Invitae), Labcorp
Classification: Uncertain significance. Last evaluated: 2024-10-03. Review status: criteria provided, single submitter. Criteria: Invitae Variant Classification Sherloc (09022015). Collection method: clinical testing. Allele origin: germline.
Comment: This sequence change affects a donor splice site in intron 33 of the FOCAD gene. It is expected to disrupt RNA splicing. Variants that disrupt the donor or acceptor splice site typically lead to a loss of protein function (PMID: 16199547), however the current clinical and genetic evidence is not sufficient to establish whether loss-of-function variants in FOCAD cause disease. This variant is not present in population databases (gnomAD no frequency). This variant has not been reported in the literature in individuals affected with FOCAD-related conditions. Algorithms developed to predict the effect of sequence changes on RNA splicing suggest that this variant may disrupt the consensus splice site. In summary, the available evidence is currently insufficient to determine the role of this variant in disease. Therefore, it has been classified as a Variant of Uncertain Significance.

Literature cited by the submitters: PubMed 16199547.

NM_001375567.1(FOCAD):c.3798+2T>A

Gene: FOCAD (focadhesin; plus strand). Cytogenetic location: 9p21.3.
Variant type: single nucleotide variant.
Coding change: c.3798+2T>A on transcript NM_001375567.1 (MANE Select); the canonical splice donor site of the intron after coding-DNA position 3798, T replaced by A.
Molecular consequence: splice donor variant.
Genome position (GRCh38, 1-based): chr9:20,948,395, T>A. VCF-style: chr9-20948395-T-A. GRCh37 (hg19) VCF-style: chr9-20948394-T-A.
Other names: c.3798+2T>A (NM_017794.5); c.3693+2T>A (NM_001375568.1, NM_001375570.1).
Identifiers: ClinVar variation 3722198 (VCV003722198.2).